The following is an entry in ClinVar:

NM_001151.4(SLC25A4):c.874G>C (p.Asp292His)

Gene: SLC25A4 (solute carrier family 25 member 4; plus strand). Cytogenetic location: 4q35.1.
Variant type: single nucleotide variant.
Coding change: c.874G>C on transcript NM_001151.4 (MANE Select); coding-DNA position 874, G replaced by C.
Protein change: p.Asp292His; replaces aspartic acid 292 with histidine.
Molecular consequence: missense variant.
Genome position (GRCh38, 1-based): chr4:185,146,948, G>C. VCF-style: chr4-185146948-G-C. GRCh37 (hg19) VCF-style: chr4-186068102-G-C.
Other names: short protein forms D292H.
Identifiers: ClinVar variation 1033744 (VCV001033744.1), dbSNP rs1734452457, ClinGen allele CA358897606.

ClinVar aggregate classification (germline): Uncertain significance (1 of 4 stars; one submission).

Conditions:
Mitochondrial DNA depletion syndrome 12A (cardiomyopathic type), autosomal dominant. Also called: Mitochondrial DNA depletion syndrome 12A (cardiomyopathic type) AD. Identifiers: MedGen C4310676, MONDO:0014959, OMIM 617184.

Submission:

Baylor Genetics
Classification: Uncertain significance for Mitochondrial DNA depletion syndrome 12A (cardiomyopathic type), autosomal dominant. Last evaluated: 2018-05-07. Review status: criteria provided, single submitter. Criteria: ACMG Guidelines, 2015. Collection method: clinical testing. Allele origin: paternal. Affected: yes.
Comment: This variant was determined to be of uncertain significance according to ACMG Guidelines, 2015 [PMID:25741868].